The following is an entry in ClinVar:

NM_014991.6(WDFY3):c.7282C>A (p.Arg2428=)

Gene: WDFY3 (WD repeat and FYVE domain containing 3; minus strand). Cytogenetic location: 4q21.23.
Variant type: single nucleotide variant.
Coding change: c.7282C>A on transcript NM_014991.6 (MANE Select); coding-DNA position 7282, C replaced by A.
Protein change: p.Arg2428=; no amino-acid change (arginine 2428 retained).
Molecular consequence: synonymous variant.
Genome position (GRCh38, 1-based): chr4:84,724,585, G>T on the plus strand (C>A on the coding strand, the complement: WDFY3 is on the minus strand). VCF-style: chr4-84724585-G-T. GRCh37 (hg19) VCF-style: chr4-85645738-G-T.
Identifiers: ClinVar variation 2654865 (VCV002654865.24), dbSNP rs1735356552, ClinGen allele CA440121665.

ClinVar aggregate classification (germline): Likely benign (1 of 4 stars; one submission).

Allele frequency attached by ClinVar (database versions not stated): TOPMed below 0.00001.

Submission:

CeGaT Center for Human Genetics Tuebingen
Classification: Likely benign. Last evaluated: 2023-06-01. Review status: criteria provided, single submitter. Criteria: CeGaT Center For Human Genetics Tuebingen Variant Classification Criteria Version 2. Collection method: clinical testing. Allele origin: germline. Affected: yes. Observed: 1 variant allele.
Comment: WDFY3: PM2:Supporting, BP4, BP7